The following is an entry in ClinVar:

ClinVar aggregate classification (germline): Uncertain significance (1 of 4 stars; one submission).

Conditions:
Hereditary sensory and autonomic neuropathy type 6. Also called: Neuropathy, hereditary sensory and autonomic, type VI; HSAN VI. Identifiers: Orphanet 314381, MedGen C3539003, MONDO:0013839, OMIM 614653.
Epidermolysis bullosa simplex 3, localized or generalized intermediate, with BP230 deficiency (EBS3). Also called: Epidermolysis bullosa simplex due to BP230 deficiency; Epidermolysis bullosa simplex, autosomal recessive 2. Identifiers: Orphanet 412181, MedGen C3809470, MONDO:0014180, OMIM 615425.

Allele frequency attached by ClinVar (database versions not stated): gnomAD exomes 0.00001; ExAC 0.00002; ESP Exome Variant Server 0.00008.
gnomAD v4.1: 19 of 1,613,708 alleles (0.0012%); highest among the groups gnomAD compares: South Asian, 0.0022%; no homozygotes.

Submission:

Labcorp Genetics (formerly Invitae), Labcorp
Classification: Uncertain significance for Epidermolysis bullosa simplex 3, localized or generalized intermediate, with BP230 deficiency; Hereditary sensory and autonomic neuropathy type 6. Last evaluated: 2025-12-22. Review status: criteria provided, single submitter. Criteria: Invitae Variant Classification Sherloc (09022015). Collection method: clinical testing. Allele origin: germline.
Comment: The DST gene has multiple clinically relevant transcripts. This variant occurs in alternate transcript NM_015548.4, and corresponds to NM_001723.5:c.*58159T>A in the primary transcript. This sequence change affects codon 2244 of the DST mRNA. It is a 'silent' change, meaning that it does not change the encoded amino acid sequence of the DST protein. This variant is present in population databases (rs376188537, gnomAD 0.004%). This variant has not been reported in the literature in individuals affected with DST-related conditions. Experimental studies and prediction algorithms are not available or were not evaluated, and the effect of this variant on mRNA splicing is currently unknown. In summary, the available evidence is currently insufficient to determine the role of this variant in disease. Therefore, it has been classified as a Variant of Uncertain Significance.

NM_001374736.1(DST):c.14601T>A (p.Ile4867=)

Gene: DST (dystonin; minus strand). Cytogenetic location: 6p12.1.
Variant type: single nucleotide variant.
Coding change: c.14601T>A on transcript NM_001374736.1 (MANE Select); coding-DNA position 14601, T replaced by A.
Protein change: p.Ile4867=; no amino-acid change (isoleucine 4867 retained).
Molecular consequence: synonymous variant.
Genome position (GRCh38, 1-based): chr6:56,557,358, A>T on the plus strand (T>A on the coding strand, the complement: DST is on the minus strand). VCF-style: chr6-56557358-A-T. GRCh37 (hg19) VCF-style: chr6-56422156-A-T.
Other names: c.8244T>A, p.Ile2748= (NM_001144769.5); c.7830T>A, p.Ile2610= (NM_001144770.2); c.14601T>A, p.Ile4867= (NM_001374722.1); c.13968T>A, p.Ile4656= (NM_001374729.1); c.7710T>A, p.Ile2570= (NM_001374730.1, NM_001386100.1, NM_183380.4); c.14628T>A, p.Ile4876= (NM_001374734.1); c.6732T>A, p.Ile2244= (NM_015548.5).
Identifiers: ClinVar variation 1398533 (VCV001398533.6), dbSNP rs376188537, ClinGen allele CA3867979.